The following is an entry in ClinVar:

ClinVar aggregate classification (germline): Uncertain significance. Review status: criteria provided, multiple submitters, no conflicts (2 of 4 stars). 2 submissions from 2 submitters: Uncertain significance (2). Last evaluated 2025-11-12.

Conditions:
Cardiovascular phenotype. Identifiers: MedGen CN230736.
Dilated cardiomyopathy 1CC (CMD1CC). Identifiers: Orphanet 154, MedGen C2751084, MONDO:0013147, OMIM 613122.
Hypertrophic cardiomyopathy 20. Identifiers: MedGen C3151267, MONDO:0013477, OMIM 613876.

Submissions (2):

Ambry Genetics
Classification: Uncertain significance for Cardiovascular phenotype. Last evaluated: 2025-11-12. Review status: criteria provided, single submitter. Criteria: Ambry Variant Classification Scheme 2023. Collection method: clinical testing. Allele origin: germline.
Comment: The p.T363I variant (also known as c.1088C>T), located in coding exon 9 of the NEXN gene, results from a C to T substitution at nucleotide position 1088. The threonine at codon 363 is replaced by isoleucine, an amino acid with similar properties. This amino acid position is not well conserved in available vertebrate species. In addition, this alteration is predicted to be tolerated by in silico analysis. Based on the available evidence, the clinical significance of this variant remains unclear.

Labcorp Genetics (formerly Invitae), Labcorp
Classification: Uncertain significance for Dilated cardiomyopathy 1CC; Hypertrophic cardiomyopathy 20. Last evaluated: 2022-03-25. Review status: criteria provided, single submitter. Criteria: Invitae Variant Classification Sherloc (09022015). Collection method: clinical testing. Allele origin: germline.
Comment: This sequence change replaces threonine, which is neutral and polar, with isoleucine, which is neutral and non-polar, at codon 363 of the NEXN protein (p.Thr363Ile). This variant is not present in population databases (gnomAD no frequency). This variant has not been reported in the literature in individuals affected with NEXN-related conditions. Algorithms developed to predict the effect of missense changes on protein structure and function are either unavailable or do not agree on the potential impact of this missense change (SIFT: "Deleterious"; PolyPhen-2: "Benign"; Align-GVGD: "Class C0"). In summary, the available evidence is currently insufficient to determine the role of this variant in disease. Therefore, it has been classified as a Variant of Uncertain Significance.

NM_144573.4(NEXN):c.1088C>T (p.Thr363Ile)

Gene: NEXN (nexilin F-actin binding protein; plus strand). Cytogenetic location: 1p31.1.
Variant type: single nucleotide variant.
Coding change: c.1088C>T on transcript NM_144573.4 (MANE Select); coding-DNA position 1088, C replaced by T.
Protein change: p.Thr363Ile; replaces threonine 363 with isoleucine.
Molecular consequence: missense variant.
Genome position (GRCh38, 1-based): chr1:77,933,316, C>T. VCF-style: chr1-77933316-C-T. GRCh37 (hg19) VCF-style: chr1-78399001-C-T.
Other names: c.896C>T, p.Thr299Ile (NM_001172309.2); short protein forms T299I, T363I.
Identifiers: ClinVar variation 2082322 (VCV002082322.5), dbSNP rs748351352, ClinGen allele CA340876642.